The following is an entry in ClinVar:

NM_031443.4(CCM2):c.204+1G>A

Gene: CCM2 (CCM2 scaffold protein; plus strand). Cytogenetic location: 7p13.
Variant type: single nucleotide variant.
Coding change: c.204+1G>A on transcript NM_031443.4 (MANE Select); the canonical splice donor site of the intron after coding-DNA position 204, G replaced by A.
Molecular consequence: splice donor variant. On other transcripts: intron variant (2).
Genome position (GRCh38, 1-based): chr7:45,038,427, G>A. VCF-style: chr7-45038427-G-A. GRCh37 (hg19) VCF-style: chr7-45078026-G-A.
Other names: c.204+1G>A (NM_001363458.2, NM_001167935.2); c.31-25491G>A (NM_001363459.2, NM_001167934.2); c.267+1G>A (NM_001029835.2).
Identifiers: ClinVar variation 3609171 (VCV003609171.2).

ClinVar aggregate classification (germline): Pathogenic (1 of 4 stars; one submission).

Conditions:
Cerebral cavernous malformation 2. Also called: Familial Cerebral Cavernous Malformation 2. Identifiers: Orphanet 221061, MedGen C1864041, MONDO:0011304, OMIM 603284.

gnomAD v4.1: 1 of 1,613,914 alleles (0.000062%); highest among the groups gnomAD compares: Non-Finnish European, 0.000085%; no homozygotes.

Submission:

Labcorp Genetics (formerly Invitae), Labcorp
Classification: Pathogenic for Cerebral cavernous malformation 2. Last evaluated: 2024-08-23. Review status: criteria provided, single submitter. Criteria: Invitae Variant Classification Sherloc (09022015). Collection method: clinical testing. Allele origin: germline.
Comment: This sequence change affects a donor splice site in intron 2 of the CCM2 gene. It is expected to disrupt RNA splicing. Variants that disrupt the donor or acceptor splice site typically lead to a loss of protein function (PMID: 16199547), and loss-of-function variants in CCM2 are known to be pathogenic (PMID: 18300272, 24689081). This variant is not present in population databases (gnomAD no frequency). Disruption of this splice site has been observed in individual(s) with cerebral cavernous malformation (PMID: 31824402). It has also been observed to segregate with disease in related individuals. Algorithms developed to predict the effect of sequence changes on RNA splicing suggest that this variant may disrupt the consensus splice site. For these reasons, this variant has been classified as Pathogenic.

Literature cited by the submitters: PubMed 16199547; PubMed 18300272; PubMed 24689081; PubMed 31824402.